The following is an entry in ClinVar:

ClinVar aggregate classification (germline): Pathogenic (1 of 4 stars; one submission).

Submission:

Labcorp Genetics (formerly Invitae), Labcorp
Classification: Pathogenic. Last evaluated: 2022-05-06. Review status: criteria provided, single submitter. Criteria: Invitae Variant Classification Sherloc (09022015). Collection method: clinical testing. Allele origin: germline.
Comment: For these reasons, this variant has been classified as Pathogenic. This variant has not been reported in the literature in individuals affected with RFX6-related conditions. This variant is not present in population databases (gnomAD no frequency). This sequence change creates a premature translational stop signal (p.Tyr834Thrfs*11) in the RFX6 gene. It is expected to result in an absent or disrupted protein product. Loss-of-function variants in RFX6 are known to be pathogenic (PMID: 20148032).

Literature cited by the submitters: PubMed 20148032.

NM_173560.4(RFX6):c.2499del (p.Tyr834fs)

Gene: RFX6 (regulatory factor X6; plus strand). Cytogenetic location: 6q22.1.
Variant type: Deletion.
Coding change: c.2499del on transcript NM_173560.4 (MANE Select); coding-DNA position 2499, one base deleted (C; older notation c.2499delC).
Protein change: p.Tyr834fs; shifts the reading frame from tyrosine 834.
Molecular consequence: frameshift variant.
Genome position (GRCh38, 1-based): chr6:116,928,859, C deleted; the last of 6 consecutive C bases (chr6:116,928,854-116,928,859); deleting any one gives the same sequence. VCF-style (leftmost placement, unchanged base first): chr6-116928853-GC-G. GRCh37 (hg19) VCF-style: chr6-117250016-GC-G.
Other names: short protein forms Y834fs.
Identifiers: ClinVar variation 2134819 (VCV002134819.4), dbSNP rs2481960127, ClinGen allele CA451631339.